The following is an entry in ClinVar:

ClinVar aggregate classification (germline): Likely benign (1 of 4 stars; one submission).

Submission:

CeGaT Center for Human Genetics Tuebingen
Classification: Likely benign. Last evaluated: 2026-04-01. Review status: criteria provided, single submitter. Criteria: CeGaT Center For Human Genetics Tuebingen Variant Classification Criteria Version 2. Collection method: clinical testing. Allele origin: germline. Affected: yes. Observed: 2 variant alleles.
Comment: ZNF813: BP4, BP7

NM_001004301.4(ZNF813):c.1707C>T (p.His569=)

Gene: ZNF813 (zinc finger protein 813; plus strand). Cytogenetic location: 19q13.42.
Variant type: single nucleotide variant.
Coding change: c.1707C>T on transcript NM_001004301.4 (MANE Select); coding-DNA position 1707, C replaced by T.
Protein change: p.His569=; no amino-acid change (histidine 569 retained).
Molecular consequence: synonymous variant.
Genome position (GRCh38, 1-based): chr19:53,491,939, C>T. VCF-style: chr19-53491939-C-T. GRCh37 (hg19) VCF-style: chr19-53995193-C-T.
Identifiers: ClinVar variation 3388025 (VCV003388025.14).